The following is an entry in ClinVar:

ClinVar aggregate classification (germline): Likely benign (1 of 4 stars; one submission).

Allele frequency attached by ClinVar (database versions not stated): gnomAD 0.00005; TOPMed 0.00006.

Submission:

CeGaT Center for Human Genetics Tuebingen
Classification: Likely benign. Last evaluated: 2022-08-01. Review status: criteria provided, single submitter. Criteria: CeGaT Center For Human Genetics Tuebingen Variant Classification Criteria Version 2. Collection method: clinical testing. Allele origin: germline. Affected: yes. Observed: 1 variant allele.
Comment: ARHGEF2: BP4, BP7

NC_000001.11:g.155985342C>T

Gene: ARHGEF2 (Rho/Rac guanine nucleotide exchange factor 2; minus strand). Cytogenetic location: 1q22.
Variant type: single nucleotide variant.
Genome position: GRCh38 VCF-style: chr1-155985342-C-T. GRCh37 (hg19) VCF-style: chr1-155955133-C-T.
Identifiers: ClinVar variation 2639444 (VCV002639444.24), dbSNP rs781595715, ClinGen allele CA30965502.